The following is an entry in ClinVar:

NM_001160329.2(SYT3):c.1353C>T (p.Thr451=)

Gene: SYT3 (synaptotagmin 3; minus strand). Cytogenetic location: 19q13.33.
Variant type: single nucleotide variant.
Coding change: c.1353C>T on transcript NM_001160329.2 (MANE Select); coding-DNA position 1353, C replaced by T.
Protein change: p.Thr451=; no amino-acid change (threonine 451 retained).
Molecular consequence: synonymous variant.
Genome position (GRCh38, 1-based): chr19:50,625,946, G>A on the plus strand (C>T on the coding strand, the complement: SYT3 is on the minus strand). VCF-style: chr19-50625946-G-A. GRCh37 (hg19) VCF-style: chr19-51129203-G-A.
Other names: c.1353C>T, p.Thr451= (NM_001160328.2, NM_001424344.1, NM_001424345.1 and 3 more transcripts).
Identifiers: ClinVar variation 2650353 (VCV002650353.24), dbSNP rs368077148, ClinGen allele CA9600355.

ClinVar aggregate classification (germline): Likely benign (1 of 4 stars; one submission).

Allele frequency attached by ClinVar (database versions not stated): gnomAD exomes 0.00002; ExAC 0.00003; TOPMed 0.00014; ESP Exome Variant Server 0.00015; 1000 Genomes Project 30x 0.00016; gnomAD 0.00017; 1000 Genomes Project 0.00020.
gnomAD v4.1: 56 of 1,614,130 alleles (0.0035%); highest among the groups gnomAD compares: African/African-American, 0.064%; no homozygotes.

Submission:

CeGaT Center for Human Genetics Tuebingen
Classification: Likely benign. Last evaluated: 2022-04-01. Review status: criteria provided, single submitter. Criteria: CeGaT Center For Human Genetics Tuebingen Variant Classification Criteria Version 2. Collection method: clinical testing. Allele origin: germline. Affected: yes. Observed: 1 variant allele.
Comment: SYT3: BP4, BP7